The following is an entry in ClinVar:

ClinVar aggregate classification (germline): Likely benign (1 of 4 stars; one submission).

gnomAD v4.1: 13,085 of 1,613,636 alleles (0.81%); highest among the groups gnomAD compares: Non-Finnish European, 0.9%; 71 homozygotes.

Submission:

CeGaT Center for Human Genetics Tuebingen
Classification: Likely benign. Last evaluated: 2026-09-01. Review status: criteria provided, single submitter. Criteria: CeGaT Center For Human Genetics Tuebingen Variant Classification Criteria Version 2. Collection method: clinical testing. Allele origin: germline. Affected: yes. Observed: 17 variant alleles.
Comment: SLF2: BP4, BS2

NM_018121.4(SLF2):c.854C>T (p.Pro285Leu)

Gene: SLF2 (SMC5/6 complex localization factor 2; plus strand). Cytogenetic location: 10q24.31.
Variant type: single nucleotide variant.
Coding change: c.854C>T on transcript NM_018121.4 (MANE Select); coding-DNA position 854, C replaced by T.
Protein change: p.Pro285Leu; replaces proline 285 with leucine.
Molecular consequence: missense variant.
Genome position (GRCh38, 1-based): chr10:100,917,239, C>T. VCF-style: chr10-100917239-C-T. GRCh37 (hg19) VCF-style: chr10-102676996-C-T.
Other names: c.854C>T, p.Pro285Leu (NM_001136123.2); short protein forms P285L.
Identifiers: ClinVar variation 3341531 (VCV003341531.16).